The following is an entry in ClinVar:

ClinVar aggregate classification (germline): Uncertain significance. Review status: criteria provided, multiple submitters, no conflicts (2 of 4 stars). 7 submissions from 7 submitters: Uncertain significance (7). Last evaluated 2026-05-26.

Conditions:
Amyotrophic lateral sclerosis (ALS). Also called: Charcot disease; Lou Gehrig disease. Identifiers: Orphanet 803, MedGen C0002736, MONDO:0004976, HP:0007354.
Neuronopathy, distal hereditary motor, type 7B. Also called: NEURONOPATHY, DISTAL HEREDITARY MOTOR, AUTOSOMAL DOMINANT 14; NEURONOPATHY, DISTAL HEREDITARY MOTOR, HARDING TYPE VIIB; NEUROPATHY, DISTAL HEREDITARY MOTOR, HARDING TYPE VIIB; NEUROPATHY, DISTAL HEREDITARY MOTOR, WITH VOCAL CORD PARALYSIS, HARDING TYPE VIIB; Distal Hereditary Motor Neuronopathy Type 7B (dHMN7B); HMN VIIB. Identifiers: Orphanet 139589, MedGen C1843315, MONDO:0011879, OMIM 607641.
Amyotrophic lateral sclerosis type 1 (ALS1). Also called: AMYOTROPHIC LATERAL SCLEROSIS 1, FAMILIAL. Identifiers: Orphanet 803, MedGen C1862939, MONDO:0007103, OMIM 105400.
Perry syndrome. Also called: PARKINSONISM WITH ALVEOLAR HYPOVENTILATION AND MENTAL DEPRESSION. Identifiers: Orphanet 178509, MedGen C1868594, MONDO:0008201, OMIM 168605.
DCTN1-related disorder. Also called: DCTN1-related condition.

Allele frequency attached by ClinVar (database versions not stated): TOPMed 0.00001; ExAC 0.00002; gnomAD 0.00002; gnomAD exomes 0.00002.
gnomAD v4.1: 32 of 1,614,032 alleles (0.002%); highest among the groups gnomAD compares: Non-Finnish European, 0.0024%; no homozygotes.

Submissions (7):

PreventionGenetics, part of Exact Sciences
Classification: Uncertain significance for DCTN1-related condition. Last evaluated: 2026-05-26. Review status: criteria provided, single submitter. Criteria: ACMG Guidelines, 2015. Collection method: clinical testing. Allele origin: germline.
Comment: The DCTN1 c.2244C>G variant is predicted to result in the amino acid substitution p.Asp748Glu. This variant was reported in an individual with amyotrophic lateral sclerosis from a large cohort study (Garton et al. 2017. PubMed ID: 28717666) and in a child with peripheral neuropathy (Supplementary Table 2, Abolhassani et al. 2024. PubMed ID: 38374194). This variant is reported in 0.0039% of alleles in individuals of European (Non-Finnish) descent in gnomAD. At this time, the clinical significance of this variant is uncertain due to the absence of conclusive functional and genetic evidence.

Blueprint Genetics
Classification: Uncertain significance. Last evaluated: 2024-08-27. Review status: criteria provided, single submitter. Criteria: ACMG Guidelines, 2015. Collection method: clinical testing. Allele origin: germline.

Labcorp Genetics (formerly Invitae), Labcorp
Classification: Uncertain significance for Amyotrophic lateral sclerosis type 1; Neuronopathy, distal hereditary motor, type 7B; Perry syndrome. Last evaluated: 2022-12-19. Review status: criteria provided, single submitter. Criteria: Invitae Variant Classification Sherloc (09022015). Collection method: clinical testing. Allele origin: germline.
Comment: This sequence change replaces aspartic acid, which is acidic and polar, with glutamic acid, which is acidic and polar, at codon 748 of the DCTN1 protein (p.Asp748Glu). This variant is present in population databases (rs751069902, gnomAD 0.004%). This missense change has been observed in individual(s) with amyotrophic lateral sclerosis (PMID: 28717666). ClinVar contains an entry for this variant (Variation ID: 873284). Algorithms developed to predict the effect of missense changes on protein structure and function (SIFT, PolyPhen-2, Align-GVGD) all suggest that this variant is likely to be disruptive. In summary, the available evidence is currently insufficient to determine the role of this variant in disease. Therefore, it has been classified as a Variant of Uncertain Significance.

CeGaT Center for Human Genetics Tuebingen
Classification: Uncertain significance. Last evaluated: 2022-07-01. Review status: criteria provided, single submitter. Criteria: CeGaT Center For Human Genetics Tuebingen Variant Classification Criteria Version 2. Collection method: clinical testing. Allele origin: germline. Affected: yes. Observed: 1 variant allele.

GeneDx
Classification: Uncertain significance. Last evaluated: 2022-05-25. Review status: criteria provided, single submitter. Criteria: GeneDx Variant Classification Process June 2021. Collection method: clinical testing. Allele origin: germline. Affected: yes.
Comment: In silico analysis supports that this missense variant does not alter protein structure/function; This variant is associated with the following publications: (PMID: 28717666)

Fulgent Genetics
Classification: Uncertain significance for Amyotrophic lateral sclerosis type 1; Perry syndrome; Neuronopathy, distal hereditary motor, type 7B. Last evaluated: 2021-12-08. Review status: criteria provided, single submitter. Criteria: ACMG Guidelines, 2015. Collection method: clinical testing. Allele origin: unknown.

Suna and Inan Kirac Foundation Neurodegeneration Research Laboratory, Koc University
Classification: Uncertain significance for Amyotrophic lateral sclerosis. Last evaluated: 2020-03-31. Review status: criteria provided, single submitter. Criteria: ACMG Guidelines, 2015. Collection method: research. Allele origin: germline. Affected: yes. Observed: 1 variant allele.

Literature cited by the submitters: PubMed 28717666 (cited by Labcorp Genetics (formerly Invitae), Labcorp).

NM_004082.5(DCTN1):c.2244C>G (p.Asp748Glu)

Gene: DCTN1 (dynactin subunit 1; minus strand). Cytogenetic location: 2p13.1.
Variant type: single nucleotide variant.
Coding change: c.2244C>G on transcript NM_004082.5 (MANE Select); coding-DNA position 2244, C replaced by G.
Protein change: p.Asp748Glu; replaces aspartic acid 748 with glutamic acid.
Molecular consequence: missense variant. On other transcripts: non-coding transcript variant (1).
Genome position (GRCh38, 1-based): chr2:74,367,361, G>C on the plus strand (C>G on the coding strand, the complement: DCTN1 is on the minus strand). VCF-style: chr2-74367361-G-C. GRCh37 (hg19) VCF-style: chr2-74594488-G-C.
Other names: c.2184C>G, p.Asp728Glu (NM_001135040.3); c.1842C>G, p.Asp614Glu (NM_001135041.3, NM_023019.4); c.2133C>G, p.Asp711Glu (NM_001190836.2); c.2223C>G, p.Asp741Glu (NM_001190837.2); c.2193C>G, p.Asp731Glu (NM_001378991.1); c.2175C>G, p.Asp725Glu (NM_001378992.1); short protein forms D711E, D728E, D614E, D741E, D748E, D725E, D731E.
Identifiers: ClinVar variation 873284 (VCV000873284.40), dbSNP rs751069902, ClinGen allele CA1721910.